The following is an entry in ClinVar:

ClinVar aggregate classification (germline): Conflicting classifications of pathogenicity. Review status: criteria provided, conflicting classifications (1 of 4 stars). 3 submissions from 3 submitters: Uncertain significance (1); Benign (1). 1 of the submissions does not count toward it. Last evaluated 2026-01-26.

Conditions:
DNAH9-related disorder. Also called: DNAH9-related condition.
Inborn genetic diseases. Identifiers: MedGen C0950123, MeSH D030342.

Allele frequency attached by ClinVar (database versions not stated): gnomAD exomes 0.00020 and 0.00063; ExAC 0.00071; gnomAD 0.00217 and 0.00229; ESP Exome Variant Server 0.00238; TOPMed 0.00247; 1000 Genomes Project 0.00379; 1000 Genomes Project 30x 0.00390.
gnomAD v4.1: 630 of 1,600,522 alleles (0.039%); highest among the groups gnomAD compares: African/African-American, 0.77%; 4 homozygotes.

Submissions (3):

Labcorp Genetics (formerly Invitae), Labcorp
Classification: Benign. Last evaluated: 2026-01-26. Review status: criteria provided, single submitter. Criteria: Invitae Variant Classification Sherloc (09022015). Collection method: clinical testing. Allele origin: germline.

Ambry Genetics
Classification: Uncertain significance for Inborn genetic diseases. Last evaluated: 2025-08-23. Review status: criteria provided, single submitter. Criteria: Ambry Variant Classification Scheme 2023. Collection method: clinical testing. Allele origin: germline.

PreventionGenetics, part of Exact Sciences
Classification: Benign for DNAH9-related condition. Last evaluated: 2019-08-01. Review status: no assertion criteria provided. Collection method: clinical testing. Allele origin: germline. Not counted in ClinVar's aggregate classification.
Comment: This variant is classified as benign based on ACMG/AMP sequence variant interpretation guidelines (Richards et al. 2015 PMID: 25741868, with internal and published modifications).

NM_001372.4(DNAH9):c.11747A>G (p.Gln3916Arg)

Gene: DNAH9 (dynein axonemal heavy chain 9; plus strand). Cytogenetic location: 17p12.
Variant type: single nucleotide variant.
Coding change: c.11747A>G on transcript NM_001372.4 (MANE Select); coding-DNA position 11747, A replaced by G.
Protein change: p.Gln3916Arg; replaces glutamine 3916 with arginine.
Molecular consequence: missense variant.
Genome position (GRCh38, 1-based): chr17:11,905,807, A>G. VCF-style: chr17-11905807-A-G. GRCh37 (hg19) VCF-style: chr17-11809124-A-G.
Other names: c.683A>G, p.Gln228Arg (NM_004662.2); short protein forms Q3916R, Q228R.
Identifiers: ClinVar variation 790716 (VCV000790716.12), dbSNP rs74931017, ClinGen allele CA8397927.